The following is an entry in ClinVar:

ClinVar aggregate classification (germline): Pathogenic/Likely pathogenic. Review status: criteria provided, multiple submitters, no conflicts (2 of 4 stars). 4 submissions from 4 submitters: Pathogenic (2); Likely pathogenic (1). 1 of the submissions does not count toward it. Last evaluated 2021-11-22.

Conditions:
Pseudoachondroplastic spondyloepiphyseal dysplasia syndrome (PSACH). Also called: PSEUDOACHONDROPLASTIC DYSPLASIA; Pseudoachondroplasia; COMP-Related Pseudoachondroplasia. Identifiers: Orphanet 750, MedGen C0410538, MONDO:0008322, OMIM 177170.
Multiple epiphyseal dysplasia type 1. Also called: COMP-Related Multiple Epiphyseal Dysplasia. Identifiers: Orphanet 93308, MedGen C1838280, MONDO:0007561, OMIM 132400.

Submissions (4):

MGZ Medical Genetics Center
Classification: Likely pathogenic for Multiple epiphyseal dysplasia type 1. Last evaluated: 2021-11-22. Review status: criteria provided, single submitter. Criteria: ACMG Guidelines, 2015. Collection method: clinical testing. Allele origin: germline. Affected: yes. Observed: 1 variant allele.
Comment: ACMG criteria applied: PS4, PM1, PM4, PM2_SUP

Labcorp Genetics (formerly Invitae), Labcorp
Classification: Pathogenic. Last evaluated: 2021-11-18. Review status: criteria provided, single submitter. Criteria: Invitae Variant Classification Sherloc (09022015). Collection method: clinical testing. Allele origin: germline.
Comment: For these reasons, this variant has been classified as Pathogenic. This variant has been observed in individual(s) with multiple epiphyseal dysplasia and/or pseudoachondroplasia (PMID: 7670472, 21965141, 24595329). In at least one individual the variant was observed to be de novo. This variant is not present in population databases (gnomAD no frequency). This variant, c.1120_1122del, results in the deletion of 1 amino acid(s) of the COMP protein (p.Asp374del), but otherwise preserves the integrity of the reading frame.

Clinical Biomedical Laboratory, Shriners Hospital For Children - Canada
Classification: Pathogenic for Pseudoachondroplastic spondyloepiphyseal dysplasia syndrome. Review status: criteria provided, single submitter. Criteria: ACMG Guidelines, 2015. Collection method: clinical testing. Allele origin: germline. Affected: yes.
Comment: This variant is predicted to delete an asparagine residue in COMP. This variant is absent in the Genome Aggregation Database (gnomAD v2.1.1), indicating it is very rare. This variant has been reported as a cause of pseudoachondroplasia in several publications (e.g. PMID 24595329). Based on the ACMG variant interpretation guidelines (criteria: PM2, PM4, PP4, PS2), the available evidence supports classification of this variant as pathogenic.

OMIM
Classification: Pathogenic for PSEUDOACHONDROPLASIA. Last evaluated: 2002-05-01. Review status: no assertion criteria provided. Collection method: literature only. Allele origin: germline. Not counted in ClinVar's aggregate classification.

Literature cited by the submitters: PubMed 7670472 (cited by Labcorp Genetics (formerly Invitae), Labcorp and OMIM); PubMed 21965141 (cited by Labcorp Genetics (formerly Invitae), Labcorp); PubMed 24595329 (cited by Labcorp Genetics (formerly Invitae), Labcorp); PubMed 9463320 (cited by OMIM); PubMed 11968079 (cited by OMIM).

NM_000095.3(COMP):c.1114GAC[2] (p.Asp374del)

Gene: COMP (cartilage oligomeric matrix protein; minus strand). Cytogenetic location: 19p13.11.
Variant type: Microsatellite.
Coding change: c.1114GAC[2] on transcript NM_000095.3 (MANE Select); two copies in a row of the 3-base unit GAC starting at c.1114; the reference has three copies in a row; one copy, 3 bases deleted; also written c.1120_1122del.
Protein change: p.Asp374del; deletes aspartic acid 374.
Molecular consequence: inframe deletion.
Genome position (GRCh38, 1-based): chr19:18,787,504-18,787,506, GTC deleted on the plus strand (GAC on the coding strand, the reverse complement: COMP is on the minus strand); deleting any 3 consecutive bases within chr19:18,787,504-18,787,513 gives the same sequence; the position shown is the placement nearest the transcript's 3' end. VCF-style (leftmost placement, unchanged base first): chr19-18787503-TGTC-T. GRCh37 (hg19) VCF-style: chr19-18898312-TGTC-T.
Other names: c.1120_1122del (NM_000095.3); short protein forms D374del.
Identifiers: ClinVar variation 1404680 (VCV001404680.9), dbSNP rs1198060288, ClinGen allele CA2580613096.